The following is an entry in ClinVar:

ClinVar aggregate classification (germline): Uncertain significance (1 of 4 stars; one submission).

Conditions:
Autosomal recessive limb-girdle muscular dystrophy type 2J (LGMDR10). Also called: Limb-girdle muscular dystrophy, type 2J; MUSCULAR DYSTROPHY, LIMB-GIRDLE, AUTOSOMAL RECESSIVE 10. Identifiers: Orphanet 140922, MedGen C1837342, MONDO:0012127, OMIM 608807.
Dilated cardiomyopathy 1G (CMD1G). Identifiers: Orphanet 154, MedGen C1858763, MONDO:0011400, OMIM 604145.

Submission:

Labcorp Genetics (formerly Invitae), Labcorp
Classification: Uncertain significance for Dilated cardiomyopathy 1G; Autosomal recessive limb-girdle muscular dystrophy type 2J. Last evaluated: 2025-05-13. Review status: criteria provided, single submitter. Criteria: Invitae Variant Classification Sherloc (09022015). Collection method: clinical testing. Allele origin: germline.
Comment: This sequence change replaces serine, which is neutral and polar, with leucine, which is neutral and non-polar, at codon 35600 of the TTN protein (p.Ser35600Leu). This variant is not present in population databases (gnomAD no frequency). This variant has not been reported in the literature in individuals affected with TTN-related conditions. Experimental studies and prediction algorithms are not available or were not evaluated, and the functional significance of this variant is currently unknown. This variant is located in the M band of TTN (PMID: 25589632). Non-truncating variants in this region may be relevant for neuromuscular disorders, but have not been definitively shown to cause cardiomyopathy (PMID: 23975875). In summary, the available evidence is currently insufficient to determine the role of this variant in disease. Therefore, it has been classified as a Variant of Uncertain Significance.

Literature cited by the submitters: PubMed 25589632; PubMed 23975875.

NM_001267550.2(TTN):c.106799C>T (p.Ser35600Leu)

Genes: TTN (titin; minus strand), TTN-AS1 (TTN antisense RNA 1; plus strand). Cytogenetic location: 2q31.2.
Variant type: single nucleotide variant.
Coding change: c.106799C>T on transcript NM_001267550.2 (MANE Select); coding-DNA position 106799, C replaced by T.
Protein change: p.Ser35600Leu; replaces serine 35600 with leucine.
Molecular consequence: missense variant.
Genome position (GRCh38, 1-based): chr2:178,528,952, G>A on the plus strand (C>T on the coding strand, the complement: TTN is on the minus strand). VCF-style: chr2-178528952-G-A. GRCh37 (hg19) VCF-style: chr2-179393679-G-A.
Other names: c.101876C>T, p.Ser33959Leu (NM_001256850.1); c.79604C>T, p.Ser26535Leu (NM_003319.4); c.99095C>T, p.Ser33032Leu (NM_133378.4); c.79979C>T, p.Ser26660Leu (NM_133432.3); c.80180C>T, p.Ser26727Leu (NM_133437.4); short protein forms S26727L, S26535L, S35600L, S26660L, S33959L, S33032L.
Identifiers: ClinVar variation 4784994 (VCV004784994.1).